The following is an entry in ClinVar:

NM_001170700.3(DTHD1):c.2285T>C (p.Ile762Thr)

Gene: DTHD1 (death domain containing 1; plus strand). Cytogenetic location: 4p14.
Variant type: single nucleotide variant.
Coding change: c.2285T>C on transcript NM_001170700.3 (MANE Select); coding-DNA position 2285, T replaced by C.
Protein change: p.Ile762Thr; replaces isoleucine 762 with threonine.
Molecular consequence: missense variant. On other transcripts: non-coding transcript variant (2).
Genome position (GRCh38, 1-based): chr4:36,316,431, T>C. VCF-style: chr4-36316431-T-C. GRCh37 (hg19) VCF-style: chr4-36318053-T-C.
Other names: c.1415T>C, p.Ile472Thr (NM_001136536.5); c.1352T>C, p.Ile451Thr (NM_001378435.1); short protein forms I451T, I472T, I762T.
Identifiers: ClinVar variation 4015173 (VCV004015173.2).
Genomic context (GRCh38, chr4:36,316,431, plus strand): 5'-TTGTCGTTTATAAAGTACCTAAAGGAAAGATAGTCCCCAACTTGAATCAATCTCTCGTAA[T>C]TAATGAAAACCATTCTCAGTTGCCAATTTGCAAATTACCATTGAAATTGCCAAAGGTGAG-3'
Protein context (NP_001164171.2, residues 752-772): IVPNLNQSLV[Ile762Thr]NENHSQLPIC

ClinVar aggregate classification (germline): Uncertain significance. Review status: criteria provided, multiple submitters, no conflicts (2 of 4 stars). 2 submissions from 2 submitters: Uncertain significance (2). Last evaluated 2025-10-24.

gnomAD v4.1: 31 of 1,551,668 alleles (0.002%); highest among the groups gnomAD compares: Non-Finnish European, 0.0027%; no homozygotes.

Submissions (2):

Labcorp Genetics (formerly Invitae), Labcorp
Classification: Uncertain significance. Last evaluated: 2025-10-24. Review status: criteria provided, single submitter. Criteria: Invitae Variant Classification Sherloc (09022015). Collection method: clinical testing. Allele origin: germline.
Comment: This sequence change replaces isoleucine, which is neutral and non-polar, with threonine, which is neutral and polar, at codon 472 of the DTHD1 protein (p.Ile472Thr). This variant is not present in population databases (gnomAD no frequency). This variant has not been reported in the literature in individuals affected with DTHD1-related conditions. ClinVar contains an entry for this variant (Variation ID: 4015173). An algorithm developed to predict the effect of missense changes on protein structure and function outputs the following: PolyPhen-2: "Benign". The threonine amino acid residue is found in multiple mammalian species, which suggests that this missense change does not adversely affect protein function. In summary, the available evidence is currently insufficient to determine the role of this variant in disease. Therefore, it has been classified as a Variant of Uncertain Significance.

Ambry Genetics
Classification: Uncertain significance. Last evaluated: 2025-04-18. Review status: criteria provided, single submitter. Criteria: Ambry Variant Classification Scheme 2023. Collection method: clinical testing. Allele origin: germline.